The following is an entry in ClinVar:

ClinVar aggregate classification (germline): Uncertain significance (1 of 4 stars; one submission).

Submission:

Labcorp Genetics (formerly Invitae), Labcorp
Classification: Uncertain significance. Last evaluated: 2025-06-18. Review status: criteria provided, single submitter. Criteria: Invitae Variant Classification Sherloc (09022015). Collection method: clinical testing. Allele origin: germline.
Comment: This sequence change replaces leucine, which is neutral and non-polar, with isoleucine, which is neutral and non-polar, at codon 614 of the KAT6A protein (p.Leu614Ile). This variant is not present in population databases (gnomAD no frequency). This variant has not been reported in the literature in individuals affected with KAT6A-related conditions. Invitae Evidence Modeling of protein sequence and biophysical properties (such as structural, functional, and spatial information, amino acid conservation, physicochemical variation, residue mobility, and thermodynamic stability) indicates that this missense variant is not expected to disrupt KAT6A protein function with a negative predictive value of 95%. In summary, the available evidence is currently insufficient to determine the role of this variant in disease. Therefore, it has been classified as a Variant of Uncertain Significance.

NM_006766.5(KAT6A):c.1840C>A (p.Leu614Ile)

Gene: KAT6A (lysine acetyltransferase 6A; minus strand). Cytogenetic location: 8p11.21.
Variant type: single nucleotide variant.
Coding change: c.1840C>A on transcript NM_006766.5 (MANE Select); coding-DNA position 1840, C replaced by A.
Protein change: p.Leu614Ile; replaces leucine 614 with isoleucine.
Molecular consequence: missense variant.
Genome position (GRCh38, 1-based): chr8:41,947,813, G>T on the plus strand (C>A on the coding strand, the complement: KAT6A is on the minus strand). VCF-style: chr8-41947813-G-T. GRCh37 (hg19) VCF-style: chr8-41805331-G-T.
Other names: c.1840C>A, p.Leu614Ile (NM_001305878.2); short protein forms L614I.
Identifiers: ClinVar variation 4747353 (VCV004747353.1).